The following is an entry in ClinVar:

NM_016592.5(GNAS):c.136G>C (p.Ala46Pro)

Genes: GNAS (GNAS complex locus; plus strand), GNAS-AS1 (GNAS antisense RNA 1; minus strand). Cytogenetic location: 20q13.32.
Variant type: single nucleotide variant.
Coding change: c.136G>C on transcript NM_016592.5 (MANE Plus Clinical); coding-DNA position 136, G replaced by C.
Protein change: p.Ala46Pro; replaces alanine 46 with proline.
Molecular consequence: missense variant. On other transcripts: 5 prime UTR variant (1).
Genome position (GRCh38, 1-based): chr20:58,840,242, G>C. VCF-style: chr20-58840242-G-C. GRCh37 (hg19) VCF-style: chr20-57415297-G-C.
Other names: c.-602G>C (NM_001410912.1); short protein forms A46P.
Identifiers: ClinVar variation 4985100 (VCV004985100.1).

ClinVar aggregate classification (germline): Uncertain significance (1 of 4 stars; one submission).

Conditions:
GNAS-related disorder. Identifiers: MedGen CN380105.

gnomAD v4.1: 9 of 1,611,110 alleles (0.00056%); highest among the groups gnomAD compares: South Asian, 0.0099%; no homozygotes.

Submission:

PreventionGenetics, part of Exact Sciences
Classification: Uncertain significance for GNAS-related condition. Last evaluated: 2026-09-17. Review status: criteria provided, single submitter. Criteria: ACMG Guidelines, 2015. Collection method: clinical testing. Allele origin: germline.
Comment: The GNAS c.136G>C variant is predicted to result in the amino acid substitution p.Ala46Pro. In the NM_000516 transcript, this variant corresponds to a pre-coding position (c.-51485G>C). To our knowledge, this variant has not been reported in the literature. This variant is reported in 0.016% of alleles in individuals of South Asian descent in gnomAD. At this time, the clinical significance of this variant is uncertain due to the absence of conclusive functional and genetic evidence.